The following is an entry in ClinVar:

NM_016203.4(PRKAG2):c.1106+86A>G

Gene: PRKAG2 (protein kinase AMP-activated non-catalytic subunit gamma 2; minus strand). Cytogenetic location: 7q36.1.
Variant type: single nucleotide variant.
Coding change: c.1106+86A>G on transcript NM_016203.4 (MANE Select); 86 bases into the intron after coding-DNA position 1106, A replaced by G.
Molecular consequence: intron variant.
Genome position (GRCh38, 1-based): chr7:151,570,085, T>C on the plus strand (A>G on the coding strand, the complement: PRKAG2 is on the minus strand). VCF-style: chr7-151570085-T-C. GRCh37 (hg19) VCF-style: chr7-151267171-T-C.
Other names: c.815+86A>G (NM_001407031.1); c.818+86A>G (NM_001407030.1); c.1103+86A>G (NM_001407023.1, NM_001407022.1); c.1106+86A>G (NM_001407021.1); c.788+86A>G (NM_001407032.1); c.971+86A>G (NM_001407026.1, NM_001407027.1); c.974+86A>G (NM_001040633.2, NM_001407024.1); c.782+86A>G (NM_001407033.1); and 6 more.
Identifiers: ClinVar variation 4851929 (VCV004851929.1).

ClinVar aggregate classification (germline): Likely benign (1 of 4 stars; one submission).

gnomAD v4.1: 32 of 1,467,830 alleles (0.0022%); highest among the groups gnomAD compares: Non-Finnish European, 0.0028%; no homozygotes.

Submission:

Dasa
Classification: Likely benign. Last evaluated: 2025-12-12. Review status: criteria provided, single submitter. Criteria: DASA Assertion Criteria. Collection method: clinical testing. Allele origin: germline.
Comment: NM_016203.4(PRKAG2):c.1106+86A>G is a splice-region variant predicted to affect normal RNA splicing. Multiple computational predictions suggest no deleterious effect on the gene or gene product. The variant is present at low frequency in population datasets. Based on the available data, this variant is classified as likely benign.